The following is an entry in ClinVar:

ClinVar aggregate classification (germline): Pathogenic/Likely pathogenic. Review status: criteria provided, multiple submitters, no conflicts (2 of 4 stars). 2 submissions from 2 submitters: Pathogenic (1); Likely pathogenic (1). Last evaluated 2023-08-23.

Conditions:
MALT1-related disorder. Also called: MALT1-related condition.
Combined immunodeficiency due to MALT1 deficiency. Also called: Immunodeficiency 12. Identifiers: Orphanet 397964, MedGen C3809583, MONDO:0014197, OMIM 615468.

Submissions (2):

Blueprint Genetics
Classification: Likely pathogenic for MALT1-related disorders. Last evaluated: 2023-08-23. Review status: criteria provided, single submitter. Criteria: ACMG Guidelines, 2015. Collection method: clinical testing. Allele origin: germline. Affected: yes. Observed: 1 variant allele.

Labcorp Genetics (formerly Invitae), Labcorp
Classification: Pathogenic for Combined immunodeficiency due to MALT1 deficiency. Last evaluated: 2023-04-07. Review status: criteria provided, single submitter. Criteria: Invitae Variant Classification Sherloc (09022015). Collection method: clinical testing. Allele origin: germline.
Comment: For these reasons, this variant has been classified as Pathogenic. This variant has not been reported in the literature in individuals affected with MALT1-related conditions. This variant is not present in population databases (gnomAD no frequency). This sequence change creates a premature translational stop signal (p.Phe198Leufs*41) in the MALT1 gene. It is expected to result in an absent or disrupted protein product. Loss-of-function variants in MALT1 are known to be pathogenic (PMID: 23727036, 25627829).

Literature cited by the submitters: PubMed 23727036 (cited by Labcorp Genetics (formerly Invitae), Labcorp); PubMed 25627829 (cited by Labcorp Genetics (formerly Invitae), Labcorp).

NM_006785.4(MALT1):c.594del (p.Phe198fs)

Gene: MALT1 (MALT1 paracaspase; plus strand). Cytogenetic location: 18q21.32.
Variant type: Deletion.
Coding change: c.594del on transcript NM_006785.4 (MANE Select); coding-DNA position 594, one base deleted (T; older notation c.594delT).
Protein change: p.Phe198fs; shifts the reading frame from phenylalanine 198.
Molecular consequence: frameshift variant.
Genome position (GRCh38, 1-based): chr18:58,700,536, T deleted; the last of 3 consecutive T bases (chr18:58,700,534-58,700,536); deleting any one gives the same sequence. VCF-style (leftmost placement, unchanged base first): chr18-58700533-CT-C. GRCh37 (hg19) VCF-style: chr18-56367765-CT-C.
Other names: c.594del, p.Phe198fs (NM_173844.3); short protein forms F198fs.
Identifiers: ClinVar variation 2853331 (VCV002853331.4), dbSNP rs2511505737, ClinGen allele CA2739276307.